The following is an entry in ClinVar:

NM_025114.4(CEP290):c.1345A>G (p.Lys449Glu)

Gene: CEP290 (centrosomal protein 290; minus strand). Cytogenetic location: 12q21.32.
Variant type: single nucleotide variant.
Coding change: c.1345A>G on transcript NM_025114.4 (MANE Select); coding-DNA position 1345, A replaced by G.
Protein change: p.Lys449Glu; replaces lysine 449 with glutamic acid.
Molecular consequence: missense variant.
Genome position (GRCh38, 1-based): chr12:88,121,011, T>C on the plus strand (A>G on the coding strand, the complement: CEP290 is on the minus strand). VCF-style: chr12-88121011-T-C. GRCh37 (hg19) VCF-style: chr12-88514788-T-C.
Other names: short protein forms K449E.
Identifiers: ClinVar variation 310621 (VCV000310621.8), dbSNP rs747463477, ClinGen allele CA6712579.

ClinVar aggregate classification (germline): Uncertain significance. Review status: criteria provided, multiple submitters, no conflicts (2 of 4 stars). 8 submissions from 4 submitters: Uncertain significance (8). Last evaluated 2023-12-29.

Conditions:
Joubert syndrome 5 (JBTS5). Identifiers: Orphanet 2318, MedGen C1857780, MONDO:0012432, OMIM 610188.
Bardet-Biedl syndrome 14 (BBS14). Identifiers: Orphanet 110, MedGen C2673874, MONDO:0014442, OMIM 615991.
Meckel syndrome, type 4 (MKS4). Also called: MECKEL-GRUBER SYNDROME, TYPE 4. Identifiers: Orphanet 564, MedGen C1970161, MONDO:0012626, OMIM 611134.
Retinal dystrophy. Also called: Inherited retinal dystrophy. Identifiers: Orphanet 71862, MedGen C0854723, MeSH D058499, MONDO:0019118, HP:0000556.
Leber congenital amaurosis 10 (LCA10). Identifiers: Orphanet 65, MedGen C1857821, MONDO:0012723, OMIM 611755.
Senior-Loken syndrome 6 (SLSN6). Identifiers: Orphanet 3156, MedGen C1857779, MONDO:0012433, OMIM 610189.

Allele frequency attached by ClinVar (database versions not stated): gnomAD 0.00001; gnomAD exomes 0.00002; ExAC 0.00003.
gnomAD v4.1: 35 of 1,611,576 alleles (0.0022%); highest among the groups gnomAD compares: East Asian, 0.078%; no homozygotes.

Submissions (8):

Women's Health and Genetics/Laboratory Corporation of America, LabCorp
Classification: Uncertain significance. Last evaluated: 2023-12-29. Review status: criteria provided, single submitter. Criteria: LabCorp Variant Classification Summary - May 2015. Collection method: clinical testing. Allele origin: germline.
Comment: Variant summary: CEP290 c.1345A>G (p.Lys449Glu) results in a conservative amino acid change in the encoded protein sequence. Four of five in-silico tools predict a benign effect of the variant on protein function. The variant allele was found at a frequency of 2.4e-05 in 247134 control chromosomes. The available data on variant occurrences in the general population are insufficient to allow any conclusion about variant significance. c.1345A>G has been reported in the literature in an individual affected with Leber Congenital Amaurosis (Hosono_2018). This report does not provide unequivocal conclusions about association of the variant with Meckel Syndrome Type 4. To our knowledge, no experimental evidence demonstrating an impact on protein function has been reported. The following publication have been ascertained in the context of this evaluation (PMID: 29844330). One submitter has cited clinical-significance assessments for this variant to ClinVar after 2014 and has classified the variant as uncertain significance. Based on the evidence outlined above, the variant was classified as uncertain significance.

Dept Of Ophthalmology, Nagoya University
Classification: Uncertain significance for Retinal dystrophy. Last evaluated: 2023-10-01. Review status: criteria provided, single submitter. Criteria: Submitter's publication. Collection method: research. Allele origin: germline. Affected: yes.

Blueprint Genetics
Classification: Uncertain significance. Last evaluated: 2022-08-19. Review status: criteria provided, single submitter. Criteria: ACMG Guidelines, 2015. Collection method: clinical testing. Allele origin: germline.

Illumina Laboratory Services, Illumina
Classification: Uncertain significance for Leber congenital amaurosis 10. Last evaluated: 2018-01-13. Review status: criteria provided, single submitter. Criteria: ICSL Variant Classification Criteria 13 December 2019. Collection method: clinical testing. Allele origin: germline.

Illumina Laboratory Services, Illumina
Classification: Uncertain significance for Bardet-Biedl syndrome 14. Last evaluated: 2018-01-13. Review status: criteria provided, single submitter. Criteria: ICSL Variant Classification Criteria 13 December 2019. Collection method: clinical testing. Allele origin: germline.

Illumina Laboratory Services, Illumina
Classification: Uncertain significance for Senior-Loken syndrome 6. Last evaluated: 2018-01-13. Review status: criteria provided, single submitter. Criteria: ICSL Variant Classification Criteria 13 December 2019. Collection method: clinical testing. Allele origin: germline.

Illumina Laboratory Services, Illumina
Classification: Uncertain significance for Meckel syndrome, type 4. Last evaluated: 2018-01-13. Review status: criteria provided, single submitter. Criteria: ICSL Variant Classification Criteria 13 December 2019. Collection method: clinical testing. Allele origin: germline.

Illumina Laboratory Services, Illumina
Classification: Uncertain significance for Joubert syndrome 5. Last evaluated: 2018-01-13. Review status: criteria provided, single submitter. Criteria: ICSL Variant Classification Criteria 13 December 2019. Collection method: clinical testing. Allele origin: germline.

Literature cited by the submitters: PubMed 29844330 (cited by Women's Health and Genetics/Laboratory Corporation of America, LabCorp).